The following is an entry in ClinVar:

NM_001130987.2(DYSF):c.759+1G>C

Gene: DYSF (dysferlin; plus strand). Cytogenetic location: 2p13.2.
Variant type: single nucleotide variant.
Coding change: c.759+1G>C on transcript NM_001130987.2 (MANE Select); the canonical splice donor site of the intron after coding-DNA position 759, G replaced by C.
Molecular consequence: splice donor variant.
Genome position (GRCh38, 1-based): chr2:71,513,922, G>C. VCF-style: chr2-71513922-G-C. GRCh37 (hg19) VCF-style: chr2-71741052-G-C.
Other names: c.756+1G>C (NM_001130979.2, NM_001130981.2, NM_001130980.2); c.663+1G>C (NM_001130978.2, NM_003494.4, NM_001130977.2 and 1 more transcripts); c.759+1G>C (NM_001130982.2, NM_001130985.2); c.666+1G>C (NM_001130983.2, NM_001130455.2, NM_001130984.2 and 1 more transcripts).
Identifiers: ClinVar variation 94355 (VCV000094355.22), dbSNP rs398123800, ClinGen allele CA222207.
Genomic context (GRCh38, chr2:71,513,922, plus strand): 5'-AGAAAGCGAAGTGCGCCTACATCTAGAAAGCTGCTGTCAGACAAACCGCAGGATTTCCAG[G>C]TGATGAACGGGCTTTCTCTGACCCCAGGCTCCTCTTCAGCCATCAGCTGCGGGTGCCAGG-3'

ClinVar aggregate classification (germline): Pathogenic. Review status: reviewed by expert panel (3 of 4 stars). 7 submissions from 7 submitters: Pathogenic (1). 6 of the submissions do not count toward it. Last evaluated 2026-03-23.

Conditions:
Autosomal recessive limb-girdle muscular dystrophy. Identifiers: Orphanet 102015, MedGen C2931907, MONDO:0015152.
Autosomal recessive limb-girdle muscular dystrophy type 2B (LGMDR2). Also called: MUSCULAR DYSTROPHY, LIMB-GIRDLE, AUTOSOMAL RECESSIVE 2; Limb-girdle muscular dystrophy, type 2B; MUSCULAR DYSTROPHY, LIMB-GIRDLE, TYPE 3; Limb-Girdle Muscular Dystrophy Type 2B (LGMD2B). Identifiers: Orphanet 268, MedGen C1850889, MONDO:0009676, OMIM 253601.
Distal myopathy with anterior tibial onset. Identifiers: Orphanet 178400, MedGen C1847532, MONDO:0011721, OMIM 606768.
Miyoshi muscular dystrophy 1 (MMD1). Identifiers: Orphanet 45448, MedGen C4551973, MONDO:0024545, OMIM 254130.
Neuromuscular disease caused by qualitative or quantitative defects of dysferlin. Also called: Qualitative or quantitative defects of dysferlin; Dysferlinopathy. Identifiers: Orphanet 207073, MedGen C2931687, MONDO:0016145.

Allele frequency attached by ClinVar (database versions not stated): gnomAD exomes below 0.00001; ExAC 0.00001.
gnomAD v4.1: 3 of 1,614,166 alleles (0.00019%); highest among the groups gnomAD compares: East Asian, 0.0067%; no homozygotes.

Submissions (7):

ClinGen Limb Girdle Muscular Dystrophy Variant Curation Expert Panel, ClinGen
Classification: Pathogenic for Autosomal recessive limb-girdle muscular dystrophy. Last evaluated: 2026-03-23. Review status: reviewed by expert panel. Criteria: ClinGen LGMD VCEP ACMG Specifications DYSF V2.0.0. Collection method: curation. Allele origin: germline. Inheritance: Autosomal recessive inheritance.
Comment: The NM_003494.4: c.663+1G>C variant in DYSF, which is also known as NM_001130987.2: c.759+1G>C, occurs within the canonical splice donor site of intron 6. SpliceAI gives a delta score of 0.99 and 0.25 for loss of the canonical donor and acceptor, respectively, and of 0.73 for strengthening of a cryptic donor located at +72. Both skipping of exon 6, which is out of frame, and use of the alternative donor would be expected to result in a frameshift, premature truncation, and nonsense mediated decay in a gene in which loss of function is an established disease mechanism. A minigene study also showed that this variant causes skipping of exon 6 (PMID: 25312915) (PVS1_RNA). This variant has been reported in at least 12 individuals with features consistent with autosomal recessive LGMD (PMID: 22297152, 36672942, 25868377, 26088049), including in the homozygous state without reported familial consanguinity in one patient (0.5 pts, PMID: 26088049), in a compound heterozygous state with a known pathogenic variant in one patient (NM_003494.4: c.2974T>C p.(Trp992Arg), 1.0 pt, PMID: 36672942), and in unconfirmed phase with a pathogenic variant in at least one patient (NM_003494.4: c.937+1G>A, 0.5 pts, PMID: 25868377) (PM3_Strong). At least one patient with this variant and a second presumed diagnostic DYSF allele displayed progressive limb girdle muscle weakness and absent dysferlin protein expression in skeletal muscle, which is highly specific for DYSF-related LGMD (PMID: 25868377; PP4_Strong). The upper bound of the 95% confidence interval of the Grpmax variant allele frequency in gnomAD v4.1.0 is 0.0001728 (3/44872 East Asian chromosomes), which is greater than the ClinGen LGMD VCEP threshold (≤0.0001). Therefore, PM2_Supporting is not met. In summary, this variant meets the criteria to be classified as Pathogenic for autosomal recessive limb girdle muscular dystrophy based on the ACMG/AMP criteria applied, as specified by the ClinGen LGMD VCEP (specifications v2.0.0; 03/23/2026): PVS1_RNA, PM3_Strong, PP4_Strong.

Natera, Inc.
Classification: Pathogenic for Limb-girdle muscular dystrophy type 2B. Last evaluated: 2025-02-19. Review status: criteria provided, single submitter. Criteria: Natera Variant Classification Schema (03/2026). Collection method: clinical testing. Allele origin: germline. Not counted in ClinVar's aggregate classification.
Comment: The c.663+1G>C variant in DYSF is a canonical splice donor site variant predicted to affect pre-mRNA splicing, which may result in an abnormal transcript and altered protein product. This variant is expected to result in nonsense mediated decay, truncation, or a dysfunctional protein product. This variant is rare in the general population with a frequency below the threshold expected for the associated phenotype(s). This variant has been observed in one or more individuals affected with the associated recessive disease, as either homozygous or compound heterozygous with a second variant (PMID: 26060040). Given the available evidence, this variant is classified as Pathogenic.

Fulgent Genetics
Classification: Pathogenic for Autosomal recessive limb-girdle muscular dystrophy type 2B; Miyoshi muscular dystrophy 1; Distal myopathy with anterior tibial onset. Last evaluated: 2024-04-30. Review status: criteria provided, single submitter. Criteria: ACMG Guidelines, 2015. Collection method: clinical testing. Allele origin: germline. Not counted in ClinVar's aggregate classification.

Baylor Genetics
Classification: Pathogenic for Miyoshi muscular dystrophy 1. Last evaluated: 2023-08-08. Review status: criteria provided, single submitter. Criteria: ACMG Guidelines, 2015. Collection method: clinical testing. Allele origin: unknown. Not counted in ClinVar's aggregate classification.

Labcorp Genetics (formerly Invitae), Labcorp
Classification: Pathogenic for Neuromuscular disease caused by qualitative or quantitative defects of dysferlin. Last evaluated: 2021-05-27. Review status: criteria provided, single submitter. Criteria: Invitae Variant Classification Sherloc (09022015). Collection method: clinical testing. Allele origin: germline. Not counted in ClinVar's aggregate classification.
Comment: For these reasons, this variant has been classified as Pathogenic. Experimental studies have shown that this variant disrupts mRNA splicing and is expected to lead to the loss of protein expression (PMID: 25312915). This variant has been observed in individual(s) with congenital myopathy (PMID: 12410383). This variant is also known as G1036+1C. ClinVar contains an entry for this variant (Variation ID: 94355). This variant is present in population databases (rs398123800, ExAC 0.01%). This sequence change affects a donor splice site in intron 6 of the DYSF gene. It is expected to disrupt RNA splicing. Variants that disrupt the donor or acceptor splice site typically lead to a loss of protein function (PMID: 16199547), and loss-of-function variants in DYSF are known to be pathogenic (PMID: 17698709, 20301480).

Eurofins Ntd Llc (ga)
Classification: Pathogenic. Last evaluated: 2016-11-21. Review status: criteria provided, single submitter. Criteria: EGL Classification Definitions. Collection method: clinical testing. Allele origin: germline. Observed: 2 variant alleles, 2 heterozygotes. Not counted in ClinVar's aggregate classification.

Counsyl
Classification: Pathogenic for Autosomal recessive limb-girdle muscular dystrophy type 2B. Last evaluated: 2018-01-17. Review status: no assertion criteria provided. Collection method: clinical testing. Allele origin: unknown. Not counted in ClinVar's aggregate classification.

Literature cited by the submitters: PubMed 26060040 (cited by Natera, Inc.); PubMed 25312915 (cited by Labcorp Genetics (formerly Invitae), Labcorp and Counsyl); PubMed 12410383 (cited by Labcorp Genetics (formerly Invitae), Labcorp); PubMed 16199547 (cited by Labcorp Genetics (formerly Invitae), Labcorp); PubMed 17698709 (cited by Labcorp Genetics (formerly Invitae), Labcorp); PubMed 20301480 (cited by Labcorp Genetics (formerly Invitae), Labcorp); PubMed 24488599 (cited by Counsyl); PubMed 27066573 (cited by Counsyl); PubMed 26088049 (cited by Counsyl); PubMed 22297152 (cited by Counsyl).